The following is an entry in ClinVar:

NM_006445.4(PRPF8):c.1969G>T (p.Ala657Ser)

Gene: PRPF8 (pre-mRNA processing factor 8; minus strand). Cytogenetic location: 17p13.3.
Variant type: single nucleotide variant.
Coding change: c.1969G>T on transcript NM_006445.4 (MANE Select); coding-DNA position 1969, G replaced by T.
Protein change: p.Ala657Ser; replaces alanine 657 with serine.
Molecular consequence: missense variant.
Genome position (GRCh38, 1-based): chr17:1,677,580, C>A on the plus strand (G>T on the coding strand, the complement: PRPF8 is on the minus strand). VCF-style: chr17-1677580-C-A. GRCh37 (hg19) VCF-style: chr17-1580874-C-A.
Other names: short protein forms A657S.
Identifiers: ClinVar variation 2793815 (VCV002793815.3), dbSNP rs2543771320, ClinGen allele CA397556539.

ClinVar aggregate classification (germline): Uncertain significance (1 of 4 stars; one submission).

Allele frequency attached by ClinVar (database versions not stated): gnomAD exomes 0.00001.
gnomAD v4.1: 9 of 1,613,994 alleles (0.00056%); highest among the groups gnomAD compares: Non-Finnish European, 0.00076%; no homozygotes.

Submission:

Labcorp Genetics (formerly Invitae), Labcorp
Classification: Uncertain significance. Last evaluated: 2022-11-23. Review status: criteria provided, single submitter. Criteria: Invitae Variant Classification Sherloc (09022015). Collection method: clinical testing. Allele origin: germline.
Comment: This sequence change replaces alanine, which is neutral and non-polar, with serine, which is neutral and polar, at codon 657 of the PRPF8 protein (p.Ala657Ser). This variant is not present in population databases (gnomAD no frequency). This variant has not been reported in the literature in individuals affected with PRPF8-related conditions. Advanced modeling of protein sequence and biophysical properties (such as structural, functional, and spatial information, amino acid conservation, physicochemical variation, residue mobility, and thermodynamic stability) performed at Invitae indicates that this missense variant is not expected to disrupt PRPF8 protein function. In summary, the available evidence is currently insufficient to determine the role of this variant in disease. Therefore, it has been classified as a Variant of Uncertain Significance.